The following is an entry in ClinVar:

ClinVar aggregate classification (germline): Uncertain significance. Review status: criteria provided, multiple submitters, no conflicts (2 of 4 stars). 2 submissions from 2 submitters: Uncertain significance (2). Last evaluated 2025-03-11.

Conditions:
Inborn genetic diseases. Identifiers: MedGen C0950123, MeSH D030342.
Severe X-linked myotubular myopathy (CNMX). Also called: X-linked centronuclear myopathy; Myotubular myopathy, X-linked; MYOTUBULAR MYOPATHY 1. Identifiers: Orphanet 596, MedGen C0410203, MONDO:0010683, OMIM 310400.

gnomAD v4.1: 5 of 1,208,237 alleles (0.00041%); highest among the groups gnomAD compares: Admixed American, 0.0066%; no homozygotes.

Submissions (2):

Ambry Genetics
Classification: Uncertain significance for Inborn genetic diseases. Last evaluated: 2025-03-11. Review status: criteria provided, single submitter. Criteria: Ambry Variant Classification Scheme 2023. Collection method: clinical testing. Allele origin: germline.

Labcorp Genetics (formerly Invitae), Labcorp
Classification: Uncertain significance for Severe X-linked myotubular myopathy. Last evaluated: 2025-01-15. Review status: criteria provided, single submitter. Criteria: Invitae Variant Classification Sherloc (09022015). Collection method: clinical testing. Allele origin: germline.
Comment: This sequence change replaces isoleucine, which is neutral and non-polar, with leucine, which is neutral and non-polar, at codon 412 of the MTM1 protein (p.Ile412Leu). This variant is present in population databases (no rsID available, gnomAD 0.004%). This variant has not been reported in the literature in individuals affected with MTM1-related conditions. Invitae Evidence Modeling of protein sequence and biophysical properties (such as structural, functional, and spatial information, amino acid conservation, physicochemical variation, residue mobility, and thermodynamic stability) indicates that this missense variant is not expected to disrupt MTM1 protein function with a negative predictive value of 95%. In summary, the available evidence is currently insufficient to determine the role of this variant in disease. Therefore, it has been classified as a Variant of Uncertain Significance.

NM_000252.3(MTM1):c.1234A>C (p.Ile412Leu)

Gene: MTM1 (myotubularin 1; plus strand). Cytogenetic location: Xq28.
Variant type: single nucleotide variant.
Coding change: c.1234A>C on transcript NM_000252.3 (MANE Select); coding-DNA position 1234, A replaced by C.
Protein change: p.Ile412Leu; replaces isoleucine 412 with leucine.
Molecular consequence: missense variant.
Genome position (GRCh38, 1-based): chrX:150,658,001, A>C. VCF-style: chrX-150658001-A-C. GRCh37 (hg19) VCF-style: chrX-149826474-A-C.
Other names: c.1234A>C, p.Ile412Leu (NM_001376906.1, NM_001376908.1); c.1123A>C, p.Ile375Leu (NM_001376907.1); short protein forms I375L, I412L.
Identifiers: ClinVar variation 3704023 (VCV003704023.2).